The following is an entry in ClinVar:

NM_014476.6(PDLIM3):c.331G>C (p.Asp111His)

Genes: PDLIM3 (PDZ and LIM domain 3; minus strand), LOC126807246 (BRD4-independent group 4 enhancer GRCh37_chr4:186434842-186436041; plus strand). Cytogenetic location: 4q35.1.
Variant type: single nucleotide variant.
Coding change: c.331G>C on transcript NM_014476.6 (MANE Select); coding-DNA position 331, G replaced by C.
Protein change: p.Asp111His; replaces aspartic acid 111 with histidine.
Molecular consequence: missense variant. On other transcripts: intron variant (1).
Genome position (GRCh38, 1-based): chr4:185,514,337, C>G on the plus strand (G>C on the coding strand, the complement: PDLIM3 is on the minus strand). VCF-style: chr4-185514337-C-G. GRCh37 (hg19) VCF-style: chr4-186435491-C-G.
Other names: c.331G>C, p.Asp111His (NM_001257962.2); c.94G>C, p.Asp32His (NM_001257963.2); c.518+366G>C (NM_001114107.5); short protein forms D32H, D111H.
Identifiers: ClinVar variation 1367161 (VCV001367161.12), dbSNP rs143725812, ClinGen allele CA3159813.
Genomic context (GRCh38, chr4:185,514,337, plus strand): 5'-GGCCCGGGATCACGAAAGGTTTGGGCCGAATATTATGCTTGTGTTCAAAGTAGTTCCCGT[C>G]CTGTGAAAACAAAGCGTTAAAAAGGCCCTCAGTGGAAGGCGGACACTGTTGCAGATAAGA-3'
Protein context (NP_055291.2, residues 101-121): FKINLESEPQ[Asp111His]GNYFEHKHNI

ClinVar aggregate classification (germline): Uncertain significance. Review status: criteria provided, multiple submitters, no conflicts (2 of 4 stars). 3 submissions from 3 submitters: Uncertain significance (3). Last evaluated 2026-02-07.

Conditions:
Primary dilated cardiomyopathy (DCM). Also called: Dilated Cardiomyopathy. Identifiers: Orphanet 217604, MedGen C0007193, MeSH D002311, MONDO:0005021, HP:0001644. Inheritance: Various modes of inheritance.
Hypertrophic cardiomyopathy. Also called: HYPERTROPHIC MYOCARDIOPATHY. Identifiers: Orphanet 217569, MedGen C0007194, MeSH D002312, MONDO:0005045, HP:0001639.

Allele frequency attached by ClinVar (database versions not stated): gnomAD 0.00003; ESP Exome Variant Server 0.00008; TOPMed 0.00011; 1000 Genomes Project 30x 0.00016; 1000 Genomes Project 0.00020.
gnomAD v4.1: 33 of 1,614,164 alleles (0.002%); highest among the groups gnomAD compares: Admixed American, 0.01%; no homozygotes.

Submissions (3):

Women's Health and Genetics/Laboratory Corporation of America, LabCorp
Classification: Uncertain significance. Last evaluated: 2026-02-07. Review status: criteria provided, single submitter. Criteria: LabCorp Variant Classification Summary - May 2015. Collection method: clinical testing. Allele origin: germline.

Labcorp Genetics (formerly Invitae), Labcorp
Classification: Uncertain significance for Hypertrophic cardiomyopathy; Primary dilated cardiomyopathy. Last evaluated: 2025-09-05. Review status: criteria provided, single submitter. Criteria: Invitae Variant Classification Sherloc (09022015). Collection method: clinical testing. Allele origin: germline.
Comment: This sequence change replaces aspartic acid, which is acidic and polar, with histidine, which is basic and polar, at codon 111 of the PDLIM3 protein (p.Asp111His). This variant is present in population databases (rs143725812, gnomAD 0.004%). This variant has not been reported in the literature in individuals affected with PDLIM3-related conditions. ClinVar contains an entry for this variant (Variation ID: 1367161). An algorithm developed to predict the effect of missense changes on protein structure and function (PolyPhen-2) suggests that this variant is likely to be disruptive. Algorithms developed to predict the effect of sequence changes on RNA splicing suggest that this variant may disrupt the consensus splice site. In summary, the available evidence is currently insufficient to determine the role of this variant in disease. Therefore, it has been classified as a Variant of Uncertain Significance.

Ambry Genetics
Classification: Uncertain significance. Last evaluated: 2024-03-27. Review status: criteria provided, single submitter. Criteria: Ambry Variant Classification Scheme 2023. Collection method: clinical testing. Allele origin: germline.
Comment: The p.D111H variant (also known as c.331G>C) is located in coding exon 4 of the PDLIM3 gene. The aspartic acid at codon 111 is replaced by histidine, an amino acid with similar properties. This change occurs in the first base pair of coding exon 4. This amino acid position is conserved. In addition, the in silico prediction for this alteration is inconclusive. Since supporting evidence is limited at this time, the clinical significance of this alteration remains unclear.